The following is an entry in ClinVar:

NM_000092.5(COL4A4):c.2621_2647dup (p.Leu874_Gly882dup)

Gene: COL4A4 (collagen type IV alpha 4 chain; minus strand). Cytogenetic location: 2q36.3.
Variant type: Duplication.
Coding change: c.2621_2647dup on transcript NM_000092.5 (MANE Select); coding-DNA positions 2621 to 2647, 27 bases duplicated (TCCCAGGACGGCCTGGGGCACATGGTC).
Protein change: p.Leu874_Gly882dup.
Molecular consequence: inframe insertion.
Genome position (GRCh38, 1-based): chr2:227,056,014-227,056,040, GACCATGTGCCCCAGGCCGTCCTGGGA duplicated on the plus strand (TCCCAGGACGGCCTGGGGCACATGGTC on the coding strand, the reverse complement: COL4A4 is on the minus strand); duplicating any 27 consecutive bases within chr2:227,056,014-227,056,041 gives the same sequence; the c. name uses the placement nearest the transcript's 3' end. VCF-style (leftmost placement, unchanged base first): chr2-227056013-G-GGACCATGTGCCCCAGGCCGTCCTGGGA. GRCh37 (hg19) VCF-style: chr2-227920729-G-GGACCATGTGCCCCAGGCCGTCCTGGGA.
Identifiers: ClinVar variation 1387249 (VCV001387249.5), dbSNP rs765923395, ClinGen allele CA2144749.
Genomic context (GRCh38, chr2:227,056,013, plus strand): 5'-CCTGGAGGACCAGGTAGCCCATCATCTCCAAAGGGACCTGGGATTCCTGGGAGGCCTGGG[G>GGACCATGTGCCCCAGGCCGTCCTGGGA]GACCATGTGCCCCAGGCCGTCCTGGGAGTCCGGGGAGGCCTTTCATTCCAGCTGGCCCGG-3'

ClinVar aggregate classification (germline): Conflicting classifications of pathogenicity. Review status: criteria provided, conflicting classifications (1 of 4 stars). 2 submissions from 2 submitters: Likely pathogenic (1); Uncertain significance (1). Last evaluated 2024-05-29.

Conditions:
Autosomal recessive Alport syndrome (ATS2). Also called: Alport syndrome type 2; ALPORT SYNDROME 2, AUTOSOMAL RECESSIVE; COL4A3-Related Nephropathy; COL4A4 Alport Syndrome and Thin Basement Membrane Nephropathy. Identifiers: Orphanet 63, Orphanet 88919, MedGen C4746745, MONDO:0008762, OMIM 203780.
Hematuria, benign familial, 1 (BFH1). Also called: THIN MEMBRANE NEPHROPATHY. Identifiers: MedGen CN376803, MONDO:0007709, OMIM 141200.

Submissions (2):

Fulgent Genetics
Classification: Likely pathogenic for Hematuria, benign familial, 1; Autosomal recessive Alport syndrome. Last evaluated: 2024-05-29. Review status: criteria provided, single submitter. Criteria: ACMG Guidelines, 2015. Collection method: clinical testing. Allele origin: germline.

Labcorp Genetics (formerly Invitae), Labcorp
Classification: Uncertain significance. Last evaluated: 2021-12-29. Review status: criteria provided, single submitter. Criteria: Invitae Variant Classification Sherloc (09022015). Collection method: clinical testing. Allele origin: germline.
Comment: This variant, c.2621_2647dup, results in the insertion of 9 amino acid(s) of the COL4A4 protein (p.Leu874_Gly882dup), but otherwise preserves the integrity of the reading frame. This variant is present in population databases (rs765923395, gnomAD 0.006%). This variant has been observed in individual(s) with clinical features of Alport syndrome (Invitae). Experimental studies and prediction algorithms are not available or were not evaluated, and the functional significance of this variant is currently unknown. Algorithms developed to predict the effect of sequence changes on RNA splicing suggest that this variant may create or strengthen a splice site. In summary, the available evidence is currently insufficient to determine the role of this variant in disease. Therefore, it has been classified as a Variant of Uncertain Significance.